The following is an entry in ClinVar:

ClinVar aggregate classification (germline): Pathogenic (1 of 4 stars; one submission).

Conditions:
D-2-hydroxyglutaric aciduria 1 (D2HGA1). Identifiers: Orphanet 79315, MedGen C3152055, MONDO:0024554, OMIM 600721.

Submission:

Labcorp Genetics (formerly Invitae), Labcorp
Classification: Pathogenic for D-2-hydroxyglutaric aciduria 1. Last evaluated: 2022-07-12. Review status: criteria provided, single submitter. Criteria: Invitae Variant Classification Sherloc (09022015). Collection method: clinical testing. Allele origin: germline.
Comment: This sequence change creates a premature translational stop signal (p.Phe296Leufs*73) in the D2HGDH gene. It is expected to result in an absent or disrupted protein product. Loss-of-function variants in D2HGDH are known to be pathogenic (PMID: 16081310, 20020533, 21384162). This variant is not present in population databases (gnomAD no frequency). This variant has not been reported in the literature in individuals affected with D2HGDH-related conditions. For these reasons, this variant has been classified as Pathogenic.

Literature cited by the submitters: PubMed 16081310; PubMed 20020533; PubMed 21384162.

NM_152783.5(D2HGDH):c.887_888insGG (p.Phe296fs)

Gene: D2HGDH (D-2-hydroxyglutarate dehydrogenase; plus strand). Cytogenetic location: 2q37.3.
Variant type: Insertion.
Coding change: c.887_888insGG on transcript NM_152783.5 (MANE Select); coding-DNA positions 887 to 888, GG inserted.
Protein change: p.Phe296fs; shifts the reading frame from phenylalanine 296.
Molecular consequence: frameshift variant.
Genome position: GRCh38 VCF-style: chr2-241750184-T-TGG. GRCh37 (hg19) VCF-style: chr2-242689599-T-TGG.
Other names: c.485_486insGG, p.Phe162fs (NM_001287249.2); c.326_327insGG, p.Phe109fs (NM_001352824.2); short protein forms F162fs, F296fs, F109fs.
Identifiers: ClinVar variation 2014046 (VCV002014046.4), dbSNP rs2549948325, ClinGen allele CA2580068078.